The following is an entry in ClinVar:

NM_213607.3(DNAAF19):c.479G>A (p.Arg160Gln)

Gene: DNAAF19 (dynein axonemal assembly factor 19; plus strand). Cytogenetic location: 17q21.31.
Variant type: single nucleotide variant.
Coding change: c.479G>A on transcript NM_213607.3 (MANE Select); coding-DNA position 479, G replaced by A.
Protein change: p.Arg160Gln; replaces arginine 160 with glutamine.
Molecular consequence: missense variant. On other transcripts: 3 prime UTR variant (3).
Genome position (GRCh38, 1-based): chr17:44,902,567, G>A. VCF-style: chr17-44902567-G-A. GRCh37 (hg19) VCF-style: chr17-42979935-G-A.
Other names: c.479G>A, p.Arg160Gln (NM_001258395.2, NM_001258396.2); c.*229G>A (NM_001258397.3); c.*168G>A (NM_001258398.3, NM_001258399.2); short protein forms R160Q.
Identifiers: ClinVar variation 1743162 (VCV001743162.2), dbSNP rs776954276, ClinGen allele CA8608384.

ClinVar aggregate classification (germline): Uncertain significance (1 of 4 stars; one submission).

Conditions:
Primary ciliary dyskinesia. Also called: Ciliary dyskinesia. Identifiers: Orphanet 244, MedGen C0008780, MONDO:0016575, HP:0012265.

Allele frequency attached by ClinVar (database versions not stated): ExAC 0.00002; gnomAD 0.00003; TOPMed 0.00005.
gnomAD v4.1: 10 of 1,614,082 alleles (0.00062%); highest among the groups gnomAD compares: African/African-American, 0.0067%; no homozygotes.

Submission:

Ambry Genetics
Classification: Uncertain significance for Primary ciliary dyskinesia. Last evaluated: 2019-09-19. Review status: criteria provided, single submitter. Criteria: Ambry Variant Classification Scheme 2023. Collection method: clinical testing. Allele origin: germline.
Comment: The p.R160Q variant (also known as c.479G>A), located in coding exon 3 of the CCDC103 gene, results from a G to A substitution at nucleotide position 479. The arginine at codon 160 is replaced by glutamine, an amino acid with highly similar properties. This amino acid position is well conserved in available vertebrate species. In addition, this alteration is predicted to be tolerated by in silico analysis. Since supporting evidence is limited at this time, the clinical significance of this alteration remains unclear.